The following is an entry in ClinVar:

ClinVar aggregate classification (germline): Uncertain significance (1 of 4 stars; one submission).

gnomAD v4.1: 14 of 1,614,184 alleles (0.00087%); highest among the groups gnomAD compares: Non-Finnish European, 0.0012%; no homozygotes.

Submission:

GeneDx
Classification: Uncertain significance. Last evaluated: 2025-08-15. Review status: criteria provided, single submitter. Criteria: GeneDx Variant Classification Process June 2021. Collection method: clinical testing. Allele origin: germline.
Comment: Not observed at significant frequency in large population cohorts (gnomAD); In silico analysis supports that this missense variant has a deleterious effect on protein structure/function; Has not been previously published as pathogenic or benign to our knowledge

NM_004369.4(COL6A3):c.497A>C (p.Lys166Thr)

Gene: COL6A3 (collagen type VI alpha 3 chain; minus strand). Cytogenetic location: 2q37.3.
Variant type: single nucleotide variant.
Coding change: c.497A>C on transcript NM_004369.4 (MANE Select); coding-DNA position 497, A replaced by C.
Protein change: p.Lys166Thr; replaces lysine 166 with threonine.
Molecular consequence: missense variant. On other transcripts: intron variant (4).
Genome position (GRCh38, 1-based): chr2:237,394,799, T>G on the plus strand (A>C on the coding strand, the complement: COL6A3 is on the minus strand). VCF-style: chr2-237394799-T-G. GRCh37 (hg19) VCF-style: chr2-238303442-T-G.
Other names: c.91+1928A>C (NM_057166.5, NM_057167.4, NM_057164.5 and 1 more transcripts); short protein forms K166T.
Identifiers: ClinVar variation 3897169 (VCV003897169.2).